The following is an entry in ClinVar:

ClinVar aggregate classification (germline): Benign/Likely benign. Review status: criteria provided, multiple submitters, no conflicts (2 of 4 stars). 6 submissions from 6 submitters: Benign (1); Likely benign (4). 1 of the submissions does not count toward it. Last evaluated 2026-05-12.

Conditions:
Short stature-pituitary and cerebellar defects-small sella turcica syndrome (CPHD4). Also called: Pituitary hormone deficiency, combined with or without cerebellar defects; Short stature, pituitary and cerebellar defects and small sella turcica. Identifiers: Orphanet 85442, MedGen C2678408, MONDO:0009880, OMIM 262700.
LHX4-related disorder. Also called: LHX4-related condition.

Allele frequency attached by ClinVar (database versions not stated): 1000 Genomes Project 30x 0.00016; gnomAD 0.00016 and 0.00023; 1000 Genomes Project 0.00020; TOPMed 0.00022; ESP Exome Variant Server 0.00023; gnomAD exomes 0.00031 and 0.00045; ExAC 0.00045.
gnomAD v4.1: 497 of 1,614,232 alleles (0.031%); highest among the groups gnomAD compares: Middle Eastern, 0.46%; 2 homozygotes.

Submissions (6):

Women's Health and Genetics/Laboratory Corporation of America, LabCorp
Classification: Likely benign. Last evaluated: 2026-05-12. Review status: criteria provided, single submitter. Criteria: LabCorp Variant Classification Summary - May 2015. Collection method: clinical testing. Allele origin: germline.

Labcorp Genetics (formerly Invitae), Labcorp
Classification: Benign. Last evaluated: 2025-02-27. Review status: criteria provided, single submitter. Criteria: Invitae Variant Classification Sherloc (09022015). Collection method: clinical testing. Allele origin: germline.

Blueprint Genetics
Classification: Likely benign. Last evaluated: 2024-11-21. Review status: criteria provided, single submitter. Criteria: ACMG Guidelines, 2015. Collection method: clinical testing. Allele origin: germline.

Illumina Laboratory Services, Illumina
Classification: Likely benign for Short stature-pituitary and cerebellar defects-small sella turcica syndrome. Last evaluated: 2017-04-27. Review status: criteria provided, single submitter. Criteria: ICSL Variant Classification Criteria 13 December 2019. Collection method: clinical testing. Allele origin: germline.
Comment: This variant was observed as part of a predisposition screen in an ostensibly healthy population. A literature search was performed for the gene, cDNA change, and amino acid change (where applicable). Publications were found based on this search. The evidence from the literature, in combination with allele frequency data from public databases where available, was sufficient to determine this variant is unlikely to cause disease. Therefore, this variant is classified as likely benign.

Breakthrough Genomics
Classification: Likely benign. Review status: criteria provided, single submitter. Criteria: ACMG Guidelines, 2015. Collection method: not provided. Allele origin: germline. Inheritance: Autosomal dominant inheritance. Affected: yes.

PreventionGenetics, part of Exact Sciences
Classification: Likely benign for LHX4-related condition. Last evaluated: 2020-06-08. Review status: no assertion criteria provided. Collection method: clinical testing. Allele origin: germline. Not counted in ClinVar's aggregate classification.
Comment: This variant is classified as likely benign based on ACMG/AMP sequence variant interpretation guidelines (Richards et al. 2015 PMID: 25741868, with internal and published modifications).

Literature cited by the submitters: PubMed 18445675 (cited by Illumina Laboratory Services, Illumina); PubMed 17201807 (cited by Illumina Laboratory Services, Illumina).

NM_033343.4(LHX4):c.849A>C (p.Gly283=)

Genes: ACBD6 (acyl-CoA binding domain containing 6; minus strand), LHX4 (LIM homeobox 4; plus strand), LHX4-AS1 (LHX4 antisense RNA 1; minus strand). Cytogenetic location: 1q25.2.
Variant type: single nucleotide variant.
Coding change: c.849A>C on transcript NM_033343.4 (MANE Select); coding-DNA position 849, A replaced by C.
Protein change: p.Gly283=; no amino-acid change (glycine 283 retained).
Molecular consequence: synonymous variant.
Genome position (GRCh38, 1-based): chr1:180,274,255, A>C. VCF-style: chr1-180274255-A-C. GRCh37 (hg19) VCF-style: chr1-180243390-A-C.
Identifiers: ClinVar variation 873866 (VCV000873866.16), dbSNP rs373879455, ClinGen allele CA1272035.